The following is an entry in ClinVar:

NM_001170700.3(DTHD1):c.1405C>T (p.Pro469Ser)

Gene: DTHD1 (death domain containing 1; plus strand). Cytogenetic location: 4p14.
Variant type: single nucleotide variant.
Coding change: c.1405C>T on transcript NM_001170700.3 (MANE Select); coding-DNA position 1405, C replaced by T.
Protein change: p.Pro469Ser; replaces proline 469 with serine.
Molecular consequence: missense variant. On other transcripts: non-coding transcript variant (2).
Genome position (GRCh38, 1-based): chr4:36,294,801, C>T. VCF-style: chr4-36294801-C-T. GRCh37 (hg19) VCF-style: chr4-36296423-C-T.
Other names: c.535C>T, p.Pro179Ser (NM_001136536.5); c.472C>T, p.Pro158Ser (NM_001378435.1); short protein forms P158S, P179S, P469S.
Identifiers: ClinVar variation 3651002 (VCV003651002.2).
Genomic context (GRCh38, chr4:36,294,801, plus strand): 5'-AATAGTTTGCATCTTTTCTATTAAAACATAAGAAAAAATATATTTTTTGTTTAGATCCAA[C>T]CAGTTGACCCAGCTCTGGTGGCACATTTAAAAGCACAGCAAGATACTTTCTACTCAGTCC-3'
Protein context (NP_001164171.2, residues 459-479): SPVLVQLKIQ[Pro469Ser]VDPALVAHLK

ClinVar aggregate classification (germline): Uncertain significance (1 of 4 stars; one submission).

gnomAD v4.1: 2 of 1,539,556 alleles (0.00013%); highest among the groups gnomAD compares: Non-Finnish European, 0.00018%; no homozygotes.

Submission:

Labcorp Genetics (formerly Invitae), Labcorp
Classification: Uncertain significance. Last evaluated: 2025-03-17. Review status: criteria provided, single submitter. Criteria: Invitae Variant Classification Sherloc (09022015). Collection method: clinical testing. Allele origin: germline.
Comment: This sequence change replaces proline, which is neutral and non-polar, with serine, which is neutral and polar, at codon 179 of the DTHD1 protein (p.Pro179Ser). This variant is not present in population databases (gnomAD no frequency). This variant has not been reported in the literature in individuals affected with DTHD1-related conditions. An algorithm developed to predict the effect of missense changes on protein structure and function (PolyPhen-2) suggests that this variant is likely to be disruptive. In summary, the available evidence is currently insufficient to determine the role of this variant in disease. Therefore, it has been classified as a Variant of Uncertain Significance.